The following is an entry in ClinVar:

NM_000256.3(MYBPC3):c.3712_3713del (p.Leu1238fs)

Gene: MYBPC3 (myosin binding protein C3; minus strand). Cytogenetic location: 11p11.2.
Variant type: Microsatellite.
Coding change: c.3712_3713del on transcript NM_000256.3 (MANE Select); coding-DNA positions 3712 to 3713, 2 bases deleted (CT; older notation c.3712_3713delCT).
Protein change: p.Leu1238fs; shifts the reading frame from leucine 1238.
Molecular consequence: frameshift variant.
Genome position (GRCh38, 1-based): chr11:47,332,173-47,332,174, AG deleted on the plus strand (CT on the coding strand, the reverse complement: MYBPC3 is on the minus strand); deleting any 2 consecutive bases within chr11:47,332,173-47,332,176 gives the same sequence; the c. name uses the placement nearest the transcript's 3' end. VCF-style (leftmost placement, unchanged base first): chr11-47332172-CAG-C. GRCh37 (hg19) VCF-style: chr11-47353723-CAG-C.
Other names: c.3712_3713delCT (NM_000256.3); short protein forms L1238fs.
Identifiers: ClinVar variation 217836 (VCV000217836.3), dbSNP rs863225272, ClinGen allele CA279582.

ClinVar aggregate classification (germline): Pathogenic. Review status: criteria provided, multiple submitters, no conflicts (2 of 4 stars). 2 submissions from 2 submitters: Pathogenic (2). Last evaluated 2023-12-15.

Conditions:
Cardiovascular phenotype. Identifiers: MedGen CN230736.
Hypertrophic cardiomyopathy 1 (CMH1). Also called: Familial hypertrophic cardiomyopathy 1; MYH7-Related Familial Hypertrophic Cardiomyopathy. Identifiers: MedGen C3495498, MONDO:0008647, OMIM 192600.

Submissions (2):

Ambry Genetics
Classification: Pathogenic for Cardiovascular phenotype. Last evaluated: 2023-12-15. Review status: criteria provided, single submitter. Criteria: Ambry Variant Classification Scheme 2023. Collection method: clinical testing. Allele origin: germline.
Comment: The c.3712_3713delCT pathogenic mutation, located in coding exon 33 of the MYBPC3 gene, results from a deletion of two nucleotides at nucleotide positions 3712 to 3713, causing a translational frameshift with a predicted alternate stop codon (p.L1238Gfs*3). This alteration has been reported in individuals with hypertrophic cardiomyopathy (HCM) (Burns C et al. Circ Cardiovasc Genet, 2017 Aug;10:[ePub ahead of print]; Pua CJ et al. Circ Genom Precis Med, 2020 Oct;13:424-434; Helms AS et al. Circ Genom Precis Med, 2020 Oct;13:396-405). This variant is considered to be rare based on population cohorts in the Genome Aggregation Database (gnomAD). In addition to the clinical data presented in the literature, this alteration is expected to result in loss of function by premature protein truncation or nonsense-mediated mRNA decay. As such, this alteration is interpreted as a disease-causing mutation.

Agnes Ginges Centre for Molecular Cardiology, Centenary Institute
Classification: Pathogenic for Hypertrophic cardiomyopathy 1. Last evaluated: 2015-06-04. Review status: criteria provided, single submitter. Criteria: Agnes Ginges Centre for Molecular Cardiology criteria (2015). Collection method: research. Allele origin: germline. Inheritance: Autosomal dominant inheritance. Affected: yes.
Comment: The deletion variant MYBPC3 c.3712_3713delCT is predicted to cause a frameshift at codon 1238 and lead to a premature stop codon 3 amino acids downstream (Leu1238Glyfs*3), and result in a truncated or absent protein. MYBPC3 Leu1238Glyfs*3 is absent in the Exome Aggregation Consortium dataset and has not previously been reported in the literature. Based on the absence of the variant in the general population, and that loss-of-function mutations in the MYBPC3 gene are an established mechanism of disease in HCM, we classify MYBPC3 Tyr842fs as "pathogenic".

Literature cited by the submitters: PubMed 28408708 (cited by Ambry Genetics); PubMed 28615295 (cited by Ambry Genetics); PubMed 28790153 (cited by Ambry Genetics); PubMed 32815737 (cited by Ambry Genetics); PubMed 32841044 (cited by Ambry Genetics).